The following is an entry in ClinVar:

NM_016729.3(FOLR1):c.610C>T (p.Arg204Ter)

Genes: FOLR1-AS1 (FOLR1 antisense RNA 1; minus strand), FOLR1 (folate receptor alpha; plus strand). Cytogenetic location: 11q13.4.
Variant type: single nucleotide variant.
Coding change: c.610C>T on transcript NM_016729.3 (MANE Select); coding-DNA position 610, C replaced by T.
Protein change: p.Arg204Ter; replaces arginine 204 with a stop codon.
Molecular consequence: nonsense.
Genome position (GRCh38, 1-based): chr11:72,196,013, C>T. VCF-style: chr11-72196013-C-T. GRCh37 (hg19) VCF-style: chr11-71907057-C-T.
Other names: NM_016729.3(FOLR1):c.610C>T; p.Arg204Ter; c.610C>T, p.Arg204Ter (NM_000802.3, NM_016724.3, NM_016725.3); short protein forms R204*.
Identifiers: ClinVar variation 429907 (VCV000429907.15), dbSNP rs952165627, ClinGen allele CA224405712.
Genomic context (GRCh38, chr11:72,196,013, plus strand): 5'-ACACCCACTGTTCTGTGCAATGAAATCTGGACTCACTCCTACAAGGTCAGCAACTACAGC[C>T]GAGGGAGTGGCCGCTGCATCCAGATGTGGTTCGACCCAGCCCAGGGCAACCCCAATGAGG-3'

ClinVar aggregate classification (germline): Pathogenic/Likely pathogenic. Review status: criteria provided, multiple submitters, no conflicts (2 of 4 stars). 4 submissions from 4 submitters: Pathogenic (1); Likely pathogenic (3). Last evaluated 2025-05-21.

Conditions:
Cerebral folate transport deficiency. Also called: FOLATE RECEPTOR DEFICIENCY; FOLR1-Related Cerebral Folate Transport Deficiency; NEURODEGENERATION DUE TO CEREBRAL FOLATE TRANSPORT DEFICIENCY; Neurodegenerative syndrome due to cerebral folate transport deficiency; Cerebral folate deficiency syndrome. Identifiers: Orphanet 217382, MedGen C2751584, MONDO:0013110, OMIM 613068. Disease mechanism: loss of function.

Allele frequency attached by ClinVar (database versions not stated): gnomAD exomes below 0.00001.
gnomAD v4.1: 2 of 1,614,196 alleles (0.00012%); highest among the groups gnomAD compares: Non-Finnish European, 0.00017%; no homozygotes.

Submissions (4):

3billion
Classification: Pathogenic for Cerebral folate transport deficiency. Last evaluated: 2025-05-21. Review status: criteria provided, single submitter. Criteria: ACMG Guidelines, 2015. Collection method: clinical testing. Allele origin: germline. Affected: yes.
Comment: The variant is observed at an extremely low frequency in the gnomAD v4.1.0 dataset (total allele frequency: <0.001%). Predicted Consequence/Location: Stop-gained (nonsense): predicted to result in a loss or disruption of normal protein function through protein truncation. The predicted truncated protein may be shortened by more than 10%. The variant has been reported at least twice as pathogenic with clinical assertions and evidence for the classification (ClinVar ID: VCV000429907 /PMID: 21752681). Therefore, this variant is classified as Pathogenic according to the recommendation of ACMG/AMP guideline.

Broad Center for Mendelian Genomics, Broad Institute of MIT and Harvard
Classification: Likely pathogenic for Cerebral folate transport deficiency. Last evaluated: 2023-01-25. Review status: criteria provided, single submitter. Criteria: ACMG Guidelines, 2015. Collection method: curation. Allele origin: germline. Inheritance: Autosomal recessive inheritance.
Comment: The homozygous p.Arg204Ter variant in FOLR1 was identified by our study in 3 siblings with neurodegenerative disease. The p.Arg204Ter variant in FOLR1 has been previously reported in 2 unrelated individuals with neurodegeneration due to cerebral folate deficiency (PMID: 21752681, PMID: 24556562). These two individuals were homozygotes, which increases the likelihood that the p.Arg204Ter variant in FOLR1 is pathogenic. The phenotype of these individuals homozygous for this variant is highly specific for neurodegeneration due to cerebral folate deficiency based on low CSF methyltetrahydrofolate and improvement of symptoms in response to oral folic acid consistent with disease (PMID: 21752681, PMID: 24556562). This variant has also been reported in ClinVar (Variation ID: 429907) and has been interpreted as likely pathogenic by GeneDx and Invitae. This variant was absent from large population studies. This nonsense variant leads to a premature termination codon at position 204. This alteration occurs within the terminal 50 bases of the last exon and is more likely to escape nonsense mediated decay (NMD) and result in a truncated protein. Loss of function of the FOLR1 gene is strongly associated to autosomal recessive neurodegeneration due to cerebral folate deficiency. In summary, although additional studies are required to fully establish its clinical significance, this variant is likely pathogenic for autosomal recessive neurodegeneration due to cerebral folate deficiency. ACMG/AMP Criteria applied: PVS1_Supporting, PM2_Supporting, PM3, PP1, PP4 (Richards 2015).

Labcorp Genetics (formerly Invitae), Labcorp
Classification: Likely pathogenic for Cerebral folate transport deficiency. Last evaluated: 2022-09-28. Review status: criteria provided, single submitter. Criteria: Invitae Variant Classification Sherloc (09022015). Collection method: clinical testing. Allele origin: germline.
Comment: In summary, the currently available evidence indicates that the variant is pathogenic, but additional data are needed to prove that conclusively. Therefore, this variant has been classified as Likely Pathogenic. This variant disrupts a region of the FOLR1 protein in which other variant(s) (p.Asn222Ser) have been observed in individuals with FOLR1-related conditions (PMID: 22586289). This suggests that this is a clinically significant region of the protein, and that variants that disrupt it are likely to be disease-causing. ClinVar contains an entry for this variant (Variation ID: 429907). This premature translational stop signal has been observed in individuals with cerebral folate deficiency (PMID: 21752681, 24556562). This variant is not present in population databases (gnomAD no frequency). This sequence change creates a premature translational stop signal (p.Arg204*) in the FOLR1 gene. While this is not anticipated to result in nonsense mediated decay, it is expected to disrupt the last 54 amino acid(s) of the FOLR1 protein.

GeneDx
Classification: Likely pathogenic. Last evaluated: 2020-01-15. Review status: criteria provided, single submitter. Criteria: GeneDx Variant Classification Process June 2021. Collection method: clinical testing. Allele origin: germline. Affected: yes.
Comment: Published in vivo functional studies demonstrate response to folinic acid supplementation (Dill et al., 2011); Not observed in large population cohorts (Lek et al., 2016); Nonsense variant predicted to result in protein truncation, although loss-of-function variants have not been reported downstream of this position in the protein; This variant is associated with the following publications: (PMID: 21752681, 24556562)

Literature cited by the submitters: PubMed 21752681 (cited by 3billion and Labcorp Genetics (formerly Invitae), Labcorp); PubMed 22586289 (cited by Labcorp Genetics (formerly Invitae), Labcorp); PubMed 24556562 (cited by Labcorp Genetics (formerly Invitae), Labcorp).